The following is an entry in ClinVar:

ClinVar aggregate classification (germline): Likely benign (0 of 4 stars; one submission).

Conditions:
KLHL3-related disorder. Also called: KLHL3-related condition.

gnomAD v4.1: 22 of 1,613,992 alleles (0.0014%); highest among the groups gnomAD compares: South Asian, 0.0077%; no homozygotes.

Submission:

PreventionGenetics, part of Exact Sciences
Classification: Likely benign for KLHL3-related condition. Last evaluated: 2024-09-11. Review status: no assertion criteria provided. Collection method: clinical testing. Allele origin: germline.
Comment: This variant is classified as likely benign based on ACMG/AMP sequence variant interpretation guidelines (Richards et al. 2015 PMID: 25741868, with internal and published modifications).

NM_017415.3(KLHL3):c.1278G>A (p.Pro426=)

Gene: KLHL3 (kelch like family member 3; minus strand). Cytogenetic location: 5q31.2.
Variant type: single nucleotide variant.
Coding change: c.1278G>A on transcript NM_017415.3 (MANE Select); coding-DNA position 1278, G replaced by A.
Protein change: p.Pro426=; no amino-acid change (proline 426 retained).
Molecular consequence: synonymous variant.
Genome position (GRCh38, 1-based): chr5:137,637,337, C>T on the plus strand (G>A on the coding strand, the complement: KLHL3 is on the minus strand). VCF-style: chr5-137637337-C-T. GRCh37 (hg19) VCF-style: chr5-136973026-C-T.
Other names: c.1182G>A, p.Pro394= (NM_001257194.1); c.1032G>A, p.Pro344= (NM_001257195.2).
Identifiers: ClinVar variation 3356869 (VCV003356869.1).
Genomic context (GRCh38, chr5:137,637,337, plus strand): 5'-CACTGCCGCCTCCTTACCCTCCACAACGCCCACACCCACACTGCTCCGCCGCGTGTTCAT[C>T]GGGGCCACAAAGAACCACTCGTTGGTCTTGTAGCTGTAGGCTTCCACCGATGCTAGGCCT-3'
Protein context (NP_059111.2, residues 416-436): YKTNEWFFVA[Pro426=]MNTRRSSVGV